The following is an entry in ClinVar:

ClinVar aggregate classification (germline): Uncertain significance (1 of 4 stars; one submission).

Allele frequency attached by ClinVar (database versions not stated): gnomAD 0.00001.
gnomAD v4.1: 1 of 1,613,738 alleles (0.000062%); highest among the groups gnomAD compares: African/African-American, 0.0013%; no homozygotes.

Submission:

Labcorp Genetics (formerly Invitae), Labcorp
Classification: Uncertain significance. Last evaluated: 2024-12-09. Review status: criteria provided, single submitter. Criteria: Invitae Variant Classification Sherloc (09022015). Collection method: clinical testing. Allele origin: germline.
Comment: This sequence change replaces aspartic acid, which is acidic and polar, with glycine, which is neutral and non-polar, at codon 346 of the VPS11 protein (p.Asp346Gly). This variant is not present in population databases (gnomAD no frequency). This variant has not been reported in the literature in individuals affected with VPS11-related conditions. ClinVar contains an entry for this variant (Variation ID: 1352673). Invitae Evidence Modeling of protein sequence and biophysical properties (such as structural, functional, and spatial information, amino acid conservation, physicochemical variation, residue mobility, and thermodynamic stability) indicates that this missense variant is not expected to disrupt VPS11 protein function with a negative predictive value of 80%. Algorithms developed to predict the effect of sequence changes on RNA splicing suggest that this variant may disrupt the consensus splice site. In summary, the available evidence is currently insufficient to determine the role of this variant in disease. Therefore, it has been classified as a Variant of Uncertain Significance.

NM_021729.6(VPS11):c.1037A>G (p.Asp346Gly)

Gene: VPS11 (VPS11 core subunit of CORVET and HOPS complexes; plus strand). Cytogenetic location: 11q23.3.
Variant type: single nucleotide variant.
Coding change: c.1037A>G on transcript NM_021729.6 (MANE Select); coding-DNA position 1037, A replaced by G.
Protein change: p.Asp346Gly; replaces aspartic acid 346 with glycine.
Molecular consequence: missense variant. On other transcripts: non-coding transcript variant (4).
Genome position (GRCh38, 1-based): chr11:119,073,350, A>G. VCF-style: chr11-119073350-A-G. GRCh37 (hg19) VCF-style: chr11-118944060-A-G.
Other names: c.1007A>G, p.Asp336Gly (NM_001290185.2); c.1049A>G, p.Asp350Gly (NM_001378218.1); c.1037A>G, p.Asp346Gly (NM_001378219.1, NM_001378220.1); c.1019A>G, p.Asp340Gly (NM_001378221.1); short protein forms D336G, D350G, D340G, D346G.
Identifiers: ClinVar variation 1352673 (VCV001352673.6), dbSNP rs1945472401, ClinGen allele CA382969669.